The following is an entry in ClinVar:

NM_001040142.2(SCN2A):c.4603A>G (p.Ile1535Val)

Gene: SCN2A (sodium voltage-gated channel alpha subunit 2; plus strand). Cytogenetic location: 2q24.3.
Variant type: single nucleotide variant.
Coding change: c.4603A>G on transcript NM_001040142.2 (MANE Select); coding-DNA position 4603, A replaced by G.
Protein change: p.Ile1535Val; replaces isoleucine 1535 with valine.
Molecular consequence: missense variant.
Genome position (GRCh38, 1-based): chr2:165,386,797, A>G. VCF-style: chr2-165386797-A-G. GRCh37 (hg19) VCF-style: chr2-166243307-A-G.
Other names: c.4603A>G, p.Ile1535Val (NM_001040143.2, NM_001371246.1, NM_001371247.1 and 1 more transcripts); short protein forms I1535V.
Identifiers: ClinVar variation 1185987 (VCV001185987.4), dbSNP rs1701897899, ClinGen allele CA349036266.
Genomic context (GRCh38, chr2:165,386,797, plus strand): 5'-TTGTTCCAGAACAAATTCCAAGGAATGGTCTTTGATTTTGTAACCAAACAAGTCTTTGAT[A>G]TCAGCATCATGATCCTCATCTGCCTTAACATGGTCACCATGATGGTGGAAACCGATGACC-3'
Protein context (NP_001035232.1, residues 1525-1545): FDFVTKQVFD[Ile1535Val]SIMILICLNM

ClinVar aggregate classification (germline): Uncertain significance. Review status: criteria provided, multiple submitters, no conflicts (2 of 4 stars). 2 submissions from 2 submitters: Uncertain significance (2). Last evaluated 2025-09-10.

Conditions:
Developmental and epileptic encephalopathy, 11 (DEE11). Also called: Early infantile epileptic encephalopathy 11. Identifiers: Orphanet 1934, MedGen C3150987, MONDO:0013388, OMIM 613721.
Seizures, benign familial infantile, 3 (BFIS3). Also called: CONVULSIONS, BENIGN FAMILIAL INFANTILE, 3; Familial neonatal seizures. Identifiers: Orphanet 140927, Orphanet 306, MedGen C1843140, MONDO:0011904, OMIM 607745.

Allele frequency attached by ClinVar (database versions not stated): TOPMed 0.00001.

Submissions (2):

Labcorp Genetics (formerly Invitae), Labcorp
Classification: Uncertain significance for Seizures, benign familial infantile, 3; Developmental and epileptic encephalopathy, 11. Last evaluated: 2025-09-10. Review status: criteria provided, single submitter. Criteria: Invitae Variant Classification Sherloc (09022015). Collection method: clinical testing. Allele origin: germline.
Comment: This sequence change replaces isoleucine, which is neutral and non-polar, with valine, which is neutral and non-polar, at codon 1535 of the SCN2A protein (p.Ile1535Val). This variant is not present in population databases (gnomAD no frequency). This variant has not been reported in the literature in individuals affected with SCN2A-related conditions. ClinVar contains an entry for this variant (Variation ID: 1185987). Invitae Evidence Modeling of protein sequence and biophysical properties (such as structural, functional, and spatial information, amino acid conservation, physicochemical variation, residue mobility, and thermodynamic stability) has been performed for this missense variant. However, the output from this modeling did not meet the statistical confidence thresholds required to predict the impact of this variant on SCN2A protein function. In summary, the available evidence is currently insufficient to determine the role of this variant in disease. Therefore, it has been classified as a Variant of Uncertain Significance.

GeneDx
Classification: Uncertain significance. Last evaluated: 2020-11-19. Review status: criteria provided, single submitter. Criteria: GeneDx Variant Classification Process June 2021. Collection method: clinical testing. Allele origin: germline. Affected: yes.
Comment: Not observed in large population cohorts (Lek et al., 2016); Missense variants in this gene are often considered pathogenic (Stenson et al., 2014); In silico analysis, which includes protein predictors and evolutionary conservation, supports that this variant does not alter protein structure/function; Has not been previously published as pathogenic or benign to our knowledge; This substitution is predicted to be within the transmembrane segment S1 of the fourth homologous domain